The following is an entry in ClinVar:

NM_001942.4(DSG1):c.2803G>A (p.Gly935Ser)

Genes: DSG1 (desmoglein 1; plus strand), DSG1-AS1 (DSG1 antisense RNA 1; minus strand). Cytogenetic location: 18q12.1.
Variant type: single nucleotide variant.
Coding change: c.2803G>A on transcript NM_001942.4 (MANE Select); coding-DNA position 2803, G replaced by A.
Protein change: p.Gly935Ser; replaces glycine 935 with serine.
Molecular consequence: missense variant.
Genome position (GRCh38, 1-based): chr18:31,354,999, G>A. VCF-style: chr18-31354999-G-A. GRCh37 (hg19) VCF-style: chr18-28934962-G-A.
Other names: short protein forms G935S.
Identifiers: ClinVar variation 2111010 (VCV002111010.4), dbSNP rs775557686, ClinGen allele CA8926447.

ClinVar aggregate classification (germline): Uncertain significance (1 of 4 stars; one submission).

Allele frequency attached by ClinVar (database versions not stated): gnomAD exomes below 0.00001; ExAC 0.00001; gnomAD 0.00001; TOPMed 0.00004.
gnomAD v4.1: 6 of 1,614,112 alleles (0.00037%); highest among the groups gnomAD compares: African/African-American, 0.004%; no homozygotes.

Submission:

Labcorp Genetics (formerly Invitae), Labcorp
Classification: Uncertain significance. Last evaluated: 2024-05-29. Review status: criteria provided, single submitter. Criteria: Invitae Variant Classification Sherloc (09022015). Collection method: clinical testing. Allele origin: germline.
Comment: This sequence change replaces glycine, which is neutral and non-polar, with serine, which is neutral and polar, at codon 935 of the DSG1 protein (p.Gly935Ser). This variant is present in population databases (rs775557686, gnomAD 0.01%). This variant has not been reported in the literature in individuals affected with DSG1-related conditions. ClinVar contains an entry for this variant (Variation ID: 2111010). An algorithm developed to predict the effect of missense changes on protein structure and function (PolyPhen-2) suggests that this variant is likely to be disruptive. In summary, the available evidence is currently insufficient to determine the role of this variant in disease. Therefore, it has been classified as a Variant of Uncertain Significance.